The following is an entry in ClinVar:

ClinVar aggregate classification (germline): Conflicting classifications of pathogenicity. Review status: criteria provided, conflicting classifications (1 of 4 stars). 10 submissions from 10 submitters: Uncertain significance (1); Benign (1); Likely benign (8). Last evaluated 2026-01-15.

Conditions:
Maturity-onset diabetes of the young (MODY). Also called: Maturity onset diabetes mellitus in young. Identifiers: Orphanet 552, MedGen C0342276, MONDO:0018911, HP:0004904.

Allele frequency attached by ClinVar (database versions not stated): ESP Exome Variant Server 0.00023; 1000 Genomes Project 30x 0.00031; gnomAD exomes 0.00031; ExAC 0.00035; 1000 Genomes Project 0.00040; gnomAD 0.00041; TOPMed 0.00048.
gnomAD v4.1: 999 of 1,614,150 alleles (0.062%); highest among the groups gnomAD compares: Non-Finnish European, 0.08%; no homozygotes.

Submissions (10):

Labcorp Genetics (formerly Invitae), Labcorp
Classification: Likely benign. Last evaluated: 2026-01-15. Review status: criteria provided, single submitter. Criteria: Invitae Variant Classification Sherloc (09022015). Collection method: clinical testing. Allele origin: germline.

Center for Genomic Medicine, Rigshospitalet, Copenhagen University Hospital
Classification: Likely benign. Last evaluated: 2025-03-04. Review status: criteria provided, single submitter. Criteria: ACMG Guidelines, 2015. Collection method: clinical testing. Allele origin: germline.

Laboratory of Genetics, Children's Clinical University Hospital Latvia
Classification: Likely benign. Last evaluated: 2025-02-16. Review status: criteria provided, single submitter. Criteria: ACMG Guidelines, 2015. Collection method: clinical testing. Allele origin: germline. Affected: yes.

Blueprint Genetics
Classification: Likely benign. Last evaluated: 2024-09-17. Review status: criteria provided, single submitter. Criteria: ACMG Guidelines, 2015. Collection method: clinical testing. Allele origin: germline.

CeGaT Center for Human Genetics Tuebingen
Classification: Likely benign. Last evaluated: 2024-05-01. Review status: criteria provided, single submitter. Criteria: CeGaT Center For Human Genetics Tuebingen Variant Classification Criteria Version 2. Collection method: clinical testing. Allele origin: germline. Affected: yes. Observed: 1 variant allele.
Comment: HNF4A: BP4

Women's Health and Genetics/Laboratory Corporation of America, LabCorp
Classification: Benign. Last evaluated: 2024-04-10. Review status: criteria provided, single submitter. Criteria: LabCorp Variant Classification Summary - May 2015. Collection method: clinical testing. Allele origin: germline.

Ambry Genetics
Classification: Likely benign for Maturity-onset diabetes of the young. Last evaluated: 2022-03-12. Review status: criteria provided, single submitter. Criteria: Ambry Variant Classification Scheme 2023. Collection method: clinical testing. Allele origin: germline.

GeneDx
Classification: Likely benign. Last evaluated: 2020-12-14. Review status: criteria provided, single submitter. Criteria: GeneDx Variant Classification Process June 2021. Collection method: clinical testing. Allele origin: germline. Affected: yes.

Genetic Services Laboratory, University of Chicago
Classification: Uncertain significance. Last evaluated: 2019-11-27. Review status: criteria provided, single submitter. Criteria: ACMG Guidelines, 2015. Collection method: clinical testing. Allele origin: germline. Affected: no.

Clinical Genomics, Uppaluri K&H Personalized Medicine Clinic
Classification: Likely benign for Maturity-onset diabetes of the young. Review status: criteria provided, single submitter. Criteria: K & H Uppaluri Personalized Medicine Clinic Variant Classification & Assertion Criteria_Updated V.1. Collection method: research. Allele origin: unknown. Inheritance: Autosomal dominant inheritance.
Comment: Potent mutations in HNF4A are associated with poor insulin secretion in response to hyperglycemia. Associated with MODY1. Patients initially respond well to sulfonylureas but eventually become insulin dependent. However, more evidence is required to ascertain the role of this particular variant rs145280017 in MODY, yet.

Literature cited by the submitters: PubMed 18268044 (cited by Clinical Genomics, Uppaluri K&H Personalized Medicine Clinic); PubMed 17563455 (cited by Clinical Genomics, Uppaluri K&H Personalized Medicine Clinic); PubMed 32583173 (cited by Clinical Genomics, Uppaluri K&H Personalized Medicine Clinic); PubMed 35052457 (cited by Clinical Genomics, Uppaluri K&H Personalized Medicine Clinic); PubMed 35118593 (cited by Clinical Genomics, Uppaluri K&H Personalized Medicine Clinic); DOI 10.1159/000334532 (cited by Clinical Genomics, Uppaluri K&H Personalized Medicine Clinic).

NM_175914.5(HNF4A):c.726G>A (p.Val242=)

Gene: HNF4A (hepatocyte nuclear factor 4 alpha; plus strand). Cytogenetic location: 20q13.12.
Variant type: single nucleotide variant.
Coding change: c.726G>A on transcript NM_175914.5 (MANE Select); coding-DNA position 726, G replaced by A.
Protein change: p.Val242=; no amino-acid change (valine 242 retained).
Molecular consequence: synonymous variant.
Genome position (GRCh38, 1-based): chr20:44,419,776, G>A. VCF-style: chr20-44419776-G-A. GRCh37 (hg19) VCF-style: chr20-43048416-G-A.
Other names: c.792G>A, p.Val264= (NM_000457.6, NM_178849.3, NM_178850.3); c.726G>A, p.Val242= (NM_001030003.3, NM_001030004.3); c.771G>A, p.Val257= (NM_001258355.2); c.717G>A, p.Val239= (NM_001287182.2, NM_001287183.2, NM_001287184.2).
Identifiers: ClinVar variation 338427 (VCV000338427.43), dbSNP rs145280017, ClinGen allele CA9870371.